The following is an entry in ClinVar:

NM_001035.3(RYR2):c.12177G>A (p.Thr4059=)

Gene: RYR2 (ryanodine receptor 2; plus strand). Cytogenetic location: 1q43.
Variant type: single nucleotide variant.
Coding change: c.12177G>A on transcript NM_001035.3 (MANE Select); coding-DNA position 12177, G replaced by A.
Protein change: p.Thr4059=; no amino-acid change (threonine 4059 retained).
Molecular consequence: synonymous variant.
Genome position (GRCh38, 1-based): chr1:237,783,889, G>A. VCF-style: chr1-237783889-G-A. GRCh37 (hg19) VCF-style: chr1-237947189-G-A.
Identifiers: ClinVar variation 704186 (VCV000704186.8), dbSNP rs1311120147, ClinGen allele CA424031934.

ClinVar aggregate classification (germline): Likely benign. Review status: criteria provided, multiple submitters, no conflicts (2 of 4 stars). 5 submissions from 5 submitters: Likely benign (5). Last evaluated 2024-03-11.

Conditions:
Cardiovascular phenotype. Identifiers: MedGen CN230736.
Catecholaminergic polymorphic ventricular tachycardia (CVPT). Also called: Catecholamine-induced polymorphic ventricular tachycardia. Identifiers: Orphanet 3286, MedGen C5574922, MONDO:0017990.
Cardiomyopathy (CMYO). Also called: Cardiomyopathies. Identifiers: Orphanet 167848, MedGen C0878544, MONDO:0004994, HP:0001638. Inheritance: Various modes of inheritance.

Allele frequency attached by ClinVar (database versions not stated): gnomAD exomes below 0.00001; TOPMed 0.00001.
gnomAD v4.1: 1 of 1,613,660 alleles (0.000062%); highest among the groups gnomAD compares: Admixed American, 0.0017%; no homozygotes.

Submissions (5):

Ambry Genetics
Classification: Likely benign for Cardiovascular phenotype. Last evaluated: 2024-03-11. Review status: criteria provided, single submitter. Criteria: Ambry Variant Classification Scheme 2023. Collection method: clinical testing. Allele origin: germline.

All of Us Research Program, National Institutes of Health
Classification: Likely benign for Catecholaminergic polymorphic ventricular tachycardia. Last evaluated: 2023-07-07. Review status: criteria provided, single submitter. Criteria: ACMG Guidelines, 2015. Collection method: clinical testing. Allele origin: germline. Inheritance: Autosomal dominant inheritance. Observed: 1 variant allele, 1 heterozygote.
Comment: This study involves interpretation of variants in research participants for the purpose of population health screening. Participant phenotype was not available at the time of variant classification. Additional details can be found in publication PMID: 35346344, PMCID: PMC8962531

Blueprint Genetics
Classification: Likely benign. Last evaluated: 2023-03-06. Review status: criteria provided, single submitter. Criteria: ACMG Guidelines, 2015. Collection method: clinical testing. Allele origin: germline.

Color Diagnostics, LLC DBA Color Health
Classification: Likely benign for Cardiomyopathy. Last evaluated: 2019-10-22. Review status: criteria provided, single submitter. Criteria: ACMG Guidelines, 2015. Collection method: clinical testing. Allele origin: germline.

Labcorp Genetics (formerly Invitae), Labcorp
Classification: Likely benign. Last evaluated: 2018-10-17. Review status: criteria provided, single submitter. Criteria: Invitae Variant Classification Sherloc (09022015). Collection method: clinical testing. Allele origin: germline.